The following is an entry in ClinVar:

NM_024642.5(GALNT12):c.436A>G (p.Asn146Asp)

Gene: GALNT12 (polypeptide N-acetylgalactosaminyltransferase 12; plus strand). Cytogenetic location: 9q22.33.
Variant type: single nucleotide variant.
Coding change: c.436A>G on transcript NM_024642.5 (MANE Select); coding-DNA position 436, A replaced by G.
Protein change: p.Asn146Asp; replaces asparagine 146 with aspartic acid.
Molecular consequence: missense variant.
Genome position (GRCh38, 1-based): chr9:98,823,320, A>G. VCF-style: chr9-98823320-A-G. GRCh37 (hg19) VCF-style: chr9-101585602-A-G.
Other names: short protein forms N146D.
Identifiers: ClinVar variation 2586470 (VCV002586470.2), dbSNP rs2490492269, ClinGen allele CA374216696.
Genomic context (GRCh38, chr9:98,823,320, plus strand): 5'-AAAGAGAAGAAATATGATTATGATAATTTGCCCAGGACATCTGTTATCATAGCATTTTAT[A>G]ATGAAGCCTGGTCAACTCTCCTTCGGACAGTTTACAGTGTCCTTGAGACATCCCCGGATA-3'
Protein context (NP_078918.3, residues 136-156): PRTSVIIAFY[Asn146Asp]EAWSTLLRTV

ClinVar aggregate classification (germline): Uncertain significance (1 of 4 stars; one submission).

Submission:

Ambry Genetics
Classification: Uncertain significance. Last evaluated: 2023-09-01. Review status: criteria provided, single submitter. Criteria: Ambry Variant Classification Scheme 2023. Collection method: clinical testing. Allele origin: germline.
Comment: The p.N146D variant (also known as c.436A>G), located in coding exon 2 of the GALNT12 gene, results from an A to G substitution at nucleotide position 436. The asparagine at codon 146 is replaced by aspartic acid, an amino acid with highly similar properties. This amino acid position is highly conserved in available vertebrate species. In addition, the in silico prediction for this alteration is inconclusive. The evidence for this gene-disease relationship is limited; therefore, the clinical significance of this alteration is unclear.